The following is an entry in ClinVar:

ClinVar aggregate classification (germline): Uncertain significance (1 of 4 stars; one submission).

Submission:

Ambry Genetics
Classification: Uncertain significance. Last evaluated: 2025-02-08. Review status: criteria provided, single submitter. Criteria: Ambry Variant Classification Scheme 2023. Collection method: clinical testing. Allele origin: germline.
Comment: The p.N374Y variant (also known as c.1120A>T), located in coding exon 1 of the TET2 gene, results from an A to T substitution at nucleotide position 1120. The asparagine at codon 374 is replaced by tyrosine, an amino acid with dissimilar properties. This amino acid position is conserved. In addition, this alteration is predicted to be tolerated by in silico analysis. Based on the available evidence, the clinical significance of this variant remains unclear.

NM_001127208.3(TET2):c.1120A>T (p.Asn374Tyr)

Genes: TET2 (tet methylcytosine dioxygenase 2; plus strand), TET2-AS1 (TET2 antisense RNA 1; minus strand). Cytogenetic location: 4q24.
Variant type: single nucleotide variant.
Coding change: c.1120A>T on transcript NM_001127208.3 (MANE Select); coding-DNA position 1120, A replaced by T.
Protein change: p.Asn374Tyr; replaces asparagine 374 with tyrosine.
Molecular consequence: missense variant.
Genome position (GRCh38, 1-based): chr4:105,235,062, A>T. VCF-style: chr4-105235062-A-T. GRCh37 (hg19) VCF-style: chr4-106156219-A-T.
Other names: c.1120A>T, p.Asn374Tyr (NM_017628.4); short protein forms N374Y.
Identifiers: ClinVar variation 3806038 (VCV003806038.1).